The following is an entry in ClinVar:

NM_001184.4(ATR):c.5563del (p.His1855fs)

Gene: ATR (ATR checkpoint kinase; minus strand). Cytogenetic location: 3q23.
Variant type: Deletion.
Coding change: c.5563del on transcript NM_001184.4 (MANE Select); coding-DNA position 5563, one base deleted (C; older notation c.5563delC).
Protein change: p.His1855fs; shifts the reading frame from histidine 1855.
Molecular consequence: frameshift variant.
Genome position (GRCh38, 1-based): chr3:142,497,188, G deleted on the plus strand (C on the coding strand, the reverse complement: ATR is on the minus strand). VCF-style (leftmost placement, unchanged base first): chr3-142497187-TG-T. GRCh37 (hg19) VCF-style: chr3-142216029-TG-T.
Other names: c.5371del, p.His1791fs (NM_001354579.2); short protein forms H1791fs, H1855fs.
Identifiers: ClinVar variation 1076685 (VCV001076685.7), dbSNP rs2108336968, ClinGen allele CA2499216529.
Genomic context (GRCh38, chr3:142,497,187, plus strand): 5'-CTGTCACCTGGAGAATGCTGGAAAAGTGGTTTGATGCTATGCTCCAACTCACATAACATG[TG>T]CAATCTGAAGATAGATAGAGCCTATGTTAAAATGTTATCATATTCAGCCTTATTAATCTC-3'

ClinVar aggregate classification (germline): Pathogenic (1 of 4 stars; one submission).

Submission:

Labcorp Genetics (formerly Invitae), Labcorp
Classification: Pathogenic. Last evaluated: 2022-03-08. Review status: criteria provided, single submitter. Criteria: Invitae Variant Classification Sherloc (09022015). Collection method: clinical testing. Allele origin: germline.
Comment: This sequence change creates a premature translational stop signal (p.His1855Thrfs*27) in the ATR gene. It is expected to result in an absent or disrupted protein product. Loss-of-function variants in ATR are known to be pathogenic (PMID: 21228398, 23144622). For these reasons, this variant has been classified as Pathogenic. ClinVar contains an entry for this variant (Variation ID: 1076685). This variant has not been reported in the literature in individuals affected with ATR-related conditions. This variant is not present in population databases (gnomAD no frequency).

Literature cited by the submitters: PubMed 21228398; PubMed 23144622.